The following is an entry in ClinVar:

ClinVar aggregate classification (germline): Likely benign. Review status: criteria provided, multiple submitters, no conflicts (2 of 4 stars). 4 submissions from 4 submitters: Likely benign (4). Last evaluated 2026-01-28.

Submissions (4):

Labcorp Genetics (formerly Invitae), Labcorp
Classification: Likely benign. Last evaluated: 2026-01-28. Review status: criteria provided, single submitter. Criteria: Invitae Variant Classification Sherloc (09022015). Collection method: clinical testing. Allele origin: germline.

Mayo Clinic Laboratories, Mayo Clinic
Classification: Likely benign. Last evaluated: 2025-09-04. Review status: criteria provided, single submitter. Criteria: ACMG Guidelines, 2015. Collection method: clinical testing. Allele origin: germline. Observed: 3 variant alleles.
Comment: BS1, BP4, BP7

Blueprint Genetics
Classification: Likely benign. Last evaluated: 2024-11-22. Review status: criteria provided, single submitter. Criteria: ACMG Guidelines, 2015. Collection method: clinical testing. Allele origin: germline.

GeneDx
Classification: Likely benign. Last evaluated: 2019-07-10. Review status: criteria provided, single submitter. Criteria: GeneDx Variant Classification Process June 2021. Collection method: clinical testing. Allele origin: germline. Affected: yes.
Comment: See Variant Classification Assertion Criteria.

NM_006929.5(SKIC2):c.1860+17_1860+26del

Gene: SKIC2 (SKI2 subunit of superkiller complex; plus strand). Cytogenetic location: 6p21.33.
Variant type: Microsatellite.
Coding change: c.1860+17_1860+26del on transcript NM_006929.5 (MANE Select); bases 17 to 26 of the intron after coding-DNA position 1860, 10 bases deleted (CTGTGTGCGT; older notation c.1860+17_1860+26delCTGTGTGCGT).
Molecular consequence: splice donor variant.
Genome position (GRCh38, 1-based): chr6:31,964,142-31,964,151, CTGTGTGCGT deleted; deleting any 10 consecutive bases within chr6:31,964,126-31,964,151 gives the same sequence; the c. name uses the placement nearest the transcript's 3' end. VCF-style (leftmost placement, unchanged base first): chr6-31964125-GGTGCGTCTGT-G. GRCh37 (hg19) VCF-style: chr6-31931902-GGTGCGTCTGT-G.
Other names: p.?.
Identifiers: ClinVar variation 1125188 (VCV001125188.12), dbSNP rs558873704, ClinGen allele CA3729593.